The following is an entry in ClinVar:

NM_015570.4(AUTS2):c.2688C>A (p.Asp896Glu)

Gene: AUTS2 (activator of transcription and developmental regulator AUTS2; plus strand). Cytogenetic location: 7q11.22.
Variant type: single nucleotide variant.
Coding change: c.2688C>A on transcript NM_015570.4 (MANE Select); coding-DNA position 2688, C replaced by A.
Protein change: p.Asp896Glu; replaces aspartic acid 896 with glutamic acid.
Molecular consequence: missense variant.
Genome position (GRCh38, 1-based): chr7:70,789,904, C>A. VCF-style: chr7-70789904-C-A. GRCh37 (hg19) VCF-style: chr7-70254890-C-A.
Other names: c.2616C>A, p.Asp872Glu (NM_001127231.3); short protein forms D872E, D896E.
Identifiers: ClinVar variation 2798401 (VCV002798401.3), dbSNP rs1791773370, ClinGen allele CA367664627.

ClinVar aggregate classification (germline): Uncertain significance (1 of 4 stars; one submission).

Submission:

Labcorp Genetics (formerly Invitae), Labcorp
Classification: Uncertain significance. Last evaluated: 2023-03-26. Review status: criteria provided, single submitter. Criteria: Invitae Variant Classification Sherloc (09022015). Collection method: clinical testing. Allele origin: germline.
Comment: This sequence change replaces aspartic acid, which is acidic and polar, with glutamic acid, which is acidic and polar, at codon 896 of the AUTS2 protein (p.Asp896Glu). In summary, the available evidence is currently insufficient to determine the role of this variant in disease. Therefore, it has been classified as a Variant of Uncertain Significance. Advanced modeling of protein sequence and biophysical properties (such as structural, functional, and spatial information, amino acid conservation, physicochemical variation, residue mobility, and thermodynamic stability) performed at Invitae indicates that this missense variant is not expected to disrupt AUTS2 protein function. This variant has not been reported in the literature in individuals affected with AUTS2-related conditions. This variant is not present in population databases (gnomAD no frequency).